The following is an entry in ClinVar:

NM_000535.7(PMS2):c.1202dup (p.Asp401fs)

Gene: PMS2 (PMS1 homolog 2, mismatch repair system component; minus strand). Cytogenetic location: 7p22.1.
Variant type: Duplication.
Coding change: c.1202dup on transcript NM_000535.7 (MANE Select); coding-DNA position 1202, one base duplicated (A; older notation c.1202dupA).
Protein change: p.Asp401fs; shifts the reading frame from aspartic acid 401.
Molecular consequence: frameshift variant. On other transcripts: non-coding transcript variant (1), intron variant (1).
Genome position (GRCh38, 1-based): chr7:5,987,563, T duplicated on the plus strand (A on the coding strand, the reverse complement: PMS2 is on the minus strand). VCF-style (leftmost placement, unchanged base first): chr7-5987562-A-AT. GRCh37 (hg19) VCF-style: chr7-6027193-A-AT.
Other names: c.797dup, p.Asp266fs (NM_001322003.2, NM_001322004.2, NM_001322005.2 and 16 more transcripts); c.1046dup, p.Asp349fs (NM_001322006.2, NM_001406870.1); c.884dup, p.Asp295fs (NM_001322007.2, NM_001322008.2, NM_001406876.1 and 2 more transcripts); c.641dup, p.Asp214fs (NM_001322010.2, NM_001406906.1, NM_001406907.1); c.269dup, p.Asp90fs (NM_001322011.2, NM_001322012.2); c.629dup, p.Asp210fs (NM_001322013.2, NM_001406909.1); c.1202dup, p.Asp401fs (NM_001322014.2, NM_001406871.1, NM_001406872.1); c.893dup, p.Asp298fs (NM_001322015.2, NM_001406875.1, NM_001406877.1 and 5 more transcripts); and 13 more; short protein forms D210fs, D243fs, D289fs, D349fs, D401fs, D214fs, D230fs, D246fs.
Identifiers: ClinVar variation 4726138 (VCV004726138.1).
Genomic context (GRCh38, chr7:5,987,562, plus strand): 5'-TCGCAGTCTGGAAATGGACACGTCTTTTTTTTCTTCTCCAGTCCTTAATGAAGGGGATTG[A>AT]TCCTGCTTTTCTACCATGGGCTTTTCCAAATCCGCTGCATGCATTTTTATTAAGTTACCT-3'

ClinVar aggregate classification (germline): Pathogenic (1 of 4 stars; one submission).

Conditions:
Hereditary nonpolyposis colorectal neoplasms. Identifiers: MedGen C0009405, MeSH D003123.

Submission:

Labcorp Genetics (formerly Invitae), Labcorp
Classification: Pathogenic for Hereditary nonpolyposis colorectal neoplasms. Last evaluated: 2025-09-25. Review status: criteria provided, single submitter. Criteria: Invitae Variant Classification Sherloc (09022015). Collection method: clinical testing. Allele origin: germline.
Comment: This sequence change creates a premature translational stop signal (p.Asp401Glufs*57) in the PMS2 gene. It is expected to result in an absent or disrupted protein product. Loss-of-function variants in PMS2 are known to be pathogenic (PMID: 21376568, 24362816). This variant is not present in population databases (gnomAD no frequency). This variant has not been reported in the literature in individuals affected with PMS2-related conditions. For these reasons, this variant has been classified as Pathogenic.

Literature cited by the submitters: PubMed 21376568; PubMed 24362816.